The following is an entry in ClinVar:

ClinVar aggregate classification (germline): Uncertain significance (1 of 4 stars; one submission).

Submission:

New York Genome Center
Classification: Uncertain significance. Last evaluated: 2021-07-23. Review status: criteria provided, single submitter. Criteria: NYGC Assertion Criteria 2020. Collection method: clinical testing. Allele origin: de novo. Affected: yes. Observed: 1 heterozygote. Study: CSER-NYCKidSeq.
Comment: The de novo heterozygous two nucleotide deletion [c.599_600del (p.Val200AspfsTer40)] identified in exon 10 (of 64) of the FRYL gene has not been reported in affected individuals in the literature. The variant alters the wild-type translational reading frame and is predicted to cause loss of normal protein function either through protein truncation or nonsense-mediated mRNA decay. Although FRYL gene is highly constrained for LOF variation [probability of being loss-of-function intolerant (pLI) = 1], the clinical significance of loss of FRYL function has not been established. The variant is absent from gnomAD(v3) database suggesting it is not a common benign variant in the populations represented in that database. Based on the available evidence, the c.599_600del(p.Val200AspfsTer40 variant identified in the FRYL gene is reported as a Variant of Uncertain Significance.

NM_015030.2(FRYL):c.599_600del (p.Val200fs)

Gene: FRYL (FRY like transcription coactivator; minus strand). Cytogenetic location: 4p11.
Variant type: Microsatellite.
Coding change: c.599_600del on transcript NM_015030.2 (MANE Select); coding-DNA positions 599 to 600, 2 bases deleted (TG; older notation c.599_600delTG).
Protein change: p.Val200fs; shifts the reading frame from valine 200.
Molecular consequence: frameshift variant.
Genome position (GRCh38, 1-based): chr4:48,606,579-48,606,580, CA deleted on the plus strand (TG on the coding strand, the reverse complement: FRYL is on the minus strand); deleting any 2 consecutive bases within chr4:48,606,579-48,606,582 gives the same sequence; the c. name uses the placement nearest the transcript's 3' end. VCF-style (leftmost placement, unchanged base first): chr4-48606578-TCA-T. GRCh37 (hg19) VCF-style: chr4-48608595-TCA-T.
Other names: short protein forms V200fs.
Identifiers: ClinVar variation 1696607 (VCV001696607.1), dbSNP rs2149267090, ClinGen allele CA2580616099.